The following is an entry in ClinVar:

ClinVar aggregate classification (germline): Uncertain significance (1 of 4 stars; one submission).

Submission:

GeneDx
Classification: Uncertain significance. Last evaluated: 2025-02-06. Review status: criteria provided, single submitter. Criteria: GeneDx Variant Classification Process June 2021. Collection method: clinical testing. Allele origin: germline. Affected: yes.
Comment: Not observed at significant frequency in large population cohorts (gnomAD); In silico analysis indicates that this missense variant does not alter protein structure/function; Has not been previously published as pathogenic or benign to our knowledge

NM_198904.4(GABRG2):c.49C>A (p.Pro17Thr)

Gene: GABRG2 (gamma-aminobutyric acid type A receptor subunit gamma2; plus strand). Cytogenetic location: 5q34.
Variant type: single nucleotide variant.
Coding change: c.49C>A on transcript NM_198904.4 (MANE Select); coding-DNA position 49, C replaced by A.
Protein change: p.Pro17Thr; replaces proline 17 with threonine.
Molecular consequence: missense variant. On other transcripts: 5 prime UTR variant (3), intron variant (3).
Genome position (GRCh38, 1-based): chr5:162,068,048, C>A. VCF-style: chr5-162068048-C-A. GRCh37 (hg19) VCF-style: chr5-161495054-C-A.
Other names: c.49C>A, p.Pro17Thr (NM_000816.3, NM_001375339.1, NM_001375340.1 and 5 more transcripts); c.-310C>A (NM_001375348.1, NM_001375350.1); c.-358C>A (NM_001375349.1); c.-3-15C>A (NM_001375346.1, NM_001375345.1); c.20+407C>A (NM_001375347.1); short protein forms P17T.
Identifiers: ClinVar variation 4074536 (VCV004074536.1).